The following is an entry in ClinVar:

ClinVar aggregate classification (germline): Uncertain significance. Review status: criteria provided, multiple submitters, no conflicts (2 of 4 stars). 2 submissions from 2 submitters: Uncertain significance (2). Last evaluated 2024-12-03.

Conditions:
Atrial standstill 1 (ATRST1). Also called: ATRIAL CARDIOMYOPATHY WITH HEART BLOCK; CARDIOMYOPATHY, FAMILIAL, WITH CONDUCTION DISTURBANCE; Atrial standstill, digenic (GJA5/SCN5A). Identifiers: Orphanet 1344, MedGen C4551959, MONDO:0007171, OMIM 108770.
Atrial fibrillation, familial, 11 (ATFB11). Identifiers: MedGen C3279693, MONDO:0013544, OMIM 614049.

Allele frequency attached by ClinVar (database versions not stated): gnomAD exomes below 0.00001 and 0.00001; ExAC 0.00001; gnomAD 0.00001.

Submissions (2):

Labcorp Genetics (formerly Invitae), Labcorp
Classification: Uncertain significance for Atrial fibrillation, familial, 11; Atrial standstill 1. Last evaluated: 2024-12-03. Review status: criteria provided, single submitter. Criteria: Invitae Variant Classification Sherloc (09022015). Collection method: clinical testing. Allele origin: germline.
Comment: This sequence change replaces isoleucine, which is neutral and non-polar, with threonine, which is neutral and polar, at codon 313 of the GJA5 protein (p.Ile313Thr). This variant is present in population databases (rs782224153, gnomAD 0.03%). This variant has not been reported in the literature in individuals affected with GJA5-related conditions. ClinVar contains an entry for this variant (Variation ID: 876988). An algorithm developed to predict the effect of missense changes on protein structure and function (PolyPhen-2) suggests that this variant is likely to be tolerated. In summary, the available evidence is currently insufficient to determine the role of this variant in disease. Therefore, it has been classified as a Variant of Uncertain Significance.

Illumina Laboratory Services, Illumina
Classification: Uncertain significance for Atrial fibrillation, familial, 11. Last evaluated: 2018-01-12. Review status: criteria provided, single submitter. Criteria: ICSL Variant Classification Criteria 13 December 2019. Collection method: clinical testing. Allele origin: germline.

NM_181703.4(GJA5):c.938T>C (p.Ile313Thr)

Gene: GJA5 (gap junction protein alpha 5; minus strand). Cytogenetic location: 1q21.2.
Variant type: single nucleotide variant.
Coding change: c.938T>C on transcript NM_181703.4 (MANE Select); coding-DNA position 938, T replaced by C.
Protein change: p.Ile313Thr; replaces isoleucine 313 with threonine.
Molecular consequence: missense variant.
Genome position (GRCh38, 1-based): chr1:147,758,301, A>G on the plus strand (T>C on the coding strand, the complement: GJA5 is on the minus strand). VCF-style: chr1-147758301-A-G. GRCh37 (hg19) VCF-style: chr1-147230409-A-G.
Other names: c.938T>C, p.Ile313Thr (NM_005266.7); short protein forms I313T.
Identifiers: ClinVar variation 876988 (VCV000876988.6), dbSNP rs782224153, ClinGen allele CA1065676.